The following is an entry in ClinVar:

NM_001692.4(ATP6V1B1):c.654C>T (p.Asp218=)

Gene: ATP6V1B1 (ATPase H+ transporting V1 subunit B1; plus strand). Cytogenetic location: 2p13.3.
Variant type: single nucleotide variant.
Coding change: c.654C>T on transcript NM_001692.4 (MANE Select); coding-DNA position 654, C replaced by T.
Protein change: p.Asp218=; no amino-acid change (aspartic acid 218 retained).
Molecular consequence: synonymous variant.
Genome position (GRCh38, 1-based): chr2:70,960,989, C>T. VCF-style: chr2-70960989-C-T. GRCh37 (hg19) VCF-style: chr2-71188119-C-T.
Other names: p.Asp218=.
Identifiers: ClinVar variation 44230 (VCV000044230.20), dbSNP rs116139984, ClinGen allele CA133788.

ClinVar aggregate classification (germline): Benign. Review status: criteria provided, multiple submitters, no conflicts (2 of 4 stars). 8 submissions from 8 submitters: Benign (6). 2 of the submissions do not count toward it. Last evaluated 2026-02-02.

Conditions:
Renal tubular acidosis with progressive nerve deafness. Also called: renal tubular acidosis, distal, 2, with progressive sensorineural hearing loss; Distal Renal Tubular Acidosis with Progressive Sensorineural Deafness; RENAL TUBULAR ACIDOSIS, AUTOSOMAL RECESSIVE, WITH PROGRESSIVE NERVE DEAFNESS; RTA WITH PROGRESSIVE NERVE DEAFNESS. Identifiers: MedGen C0403554, MONDO:0009968, OMIM 267300.

Allele frequency attached by ClinVar (database versions not stated): gnomAD exomes 0.00302 and 0.00692; ExAC 0.01398; gnomAD 0.02764 and 0.02971; 1000 Genomes Project 0.02955; TOPMed 0.03111; 1000 Genomes Project 30x 0.03123; ESP Exome Variant Server 0.03191.
gnomAD v4.1: 8,752 of 1,602,596 alleles (0.55%); highest among the groups gnomAD compares: African/African-American, 10%; 381 homozygotes.

Submissions (8):

Labcorp Genetics (formerly Invitae), Labcorp
Classification: Benign. Last evaluated: 2026-02-02. Review status: criteria provided, single submitter. Criteria: Invitae Variant Classification Sherloc (09022015). Collection method: clinical testing. Allele origin: germline.

Mayo Clinic Laboratories, Mayo Clinic
Classification: Benign. Last evaluated: 2023-03-25. Review status: criteria provided, single submitter. Criteria: ACMG Guidelines, 2015. Collection method: clinical testing. Allele origin: germline. Observed: 7 variant alleles.

Illumina Laboratory Services, Illumina
Classification: Benign for Renal tubular acidosis with progressive nerve deafness. Last evaluated: 2018-01-13. Review status: criteria provided, single submitter. Criteria: ICSL Variant Classification Criteria 13 December 2019. Collection method: clinical testing. Allele origin: germline.
Comment: This variant was observed in the ICSL laboratory as part of a predisposition screen in an ostensibly healthy population. It had not been previously curated by ICSL or reported in the Human Gene Mutation Database (HGMD: prior to June 1st, 2018), and was therefore a candidate for classification through an automated scoring system. Utilizing variant allele frequency, disease prevalence and penetrance estimates, and inheritance mode, an automated score was calculated to assess if this variant is too frequent to cause the disease. Based on the score and internal cut-off values, a variant classified as benign is not then subjected to further curation. The score for this variant resulted in a classification of benign for this disease.

GeneDx
Classification: Benign. Last evaluated: 2018-01-11. Review status: criteria provided, single submitter. Criteria: GeneDx Variant Classification (06012015). Collection method: clinical testing. Allele origin: germline. Affected: yes.
Comment: This variant is considered likely benign or benign based on one or more of the following criteria: it is a conservative change, it occurs at a poorly conserved position in the protein, it is predicted to be benign by multiple in silico algorithms, and/or has population frequency not consistent with disease.

Laboratory for Molecular Medicine, Mass General Brigham Personalized Medicine
Classification: Benign. Last evaluated: 2012-05-07. Review status: criteria provided, single submitter. Criteria: LMM Criteria. Collection method: clinical testing. Allele origin: germline. Observed: 28 variant alleles.
Comment: "Asp218Asp in Exon 07 of ATP6V1B1: This variant is not expected to have clinical significance because it does not alter an amino acid residue, is not located wi thin the splice consensus sequence, and has been identified in 9.1% (339/3736) o f African American chromosomes from a broad population by the NHLBI Exome Sequen cing Project (dbSNP rs116139984)."

Breakthrough Genomics
Classification: Benign. Review status: criteria provided, single submitter. Criteria: ACMG Guidelines, 2015. Collection method: not provided. Allele origin: germline. Inheritance: Autosomal recessive inheritance. Affected: yes.

Natera, Inc.
Classification: Benign for Renal tubular acidosis with progressive nerve deafness. Last evaluated: 2020-09-16. Review status: no assertion criteria provided. Collection method: clinical testing. Allele origin: germline. Not counted in ClinVar's aggregate classification.

Counsyl
Classification: Benign for Renal tubular acidosis with progressive nerve deafness. Last evaluated: 2017-03-06. Review status: no assertion criteria provided. Collection method: clinical testing. Allele origin: unknown. Not counted in ClinVar's aggregate classification.